The following is an entry in ClinVar:

NM_203475.3(PORCN):c.31C>T (p.Gln11Ter)

Gene: PORCN (porcupine O-acyltransferase; plus strand). Cytogenetic location: Xp11.23.
Variant type: single nucleotide variant.
Coding change: c.31C>T on transcript NM_203475.3 (MANE Select); coding-DNA position 31, C replaced by T.
Protein change: p.Gln11Ter; replaces glutamine 11 with a stop codon.
Molecular consequence: nonsense. On other transcripts: non-coding transcript variant (2), 5 prime UTR variant (1), synonymous variant (1).
Genome position (GRCh38, 1-based): chrX:48,509,851, C>T. VCF-style: chrX-48509851-C-T. GRCh37 (hg19) VCF-style: chrX-48368239-C-T.
Other names: c.31C>T, p.Gln11Ter (NM_203474.1, NM_022825.4, NM_203473.3); c.-112C>T (NM_001282167.2); c.370C>T, p.Gln124Ter (NM_001441333.1, NM_001441334.1); c.136C>T, p.Gln46Ter (NM_001441335.1); c.294C>T, p.Ser98= (NM_001441336.1); short protein forms Q11*, Q124*, Q46*.
Identifiers: ClinVar variation 4076160 (VCV004076160.1).

ClinVar aggregate classification (germline): Likely pathogenic (1 of 4 stars; one submission).

Conditions:
Focal dermal hypoplasia (FDH). Also called: Goltz syndrome. Identifiers: Orphanet 2092, MedGen C0016395, MONDO:0010592, OMIM 305600.

Submission:

Laboratorio de Genetica e Diagnostico Molecular, Hospital Israelita Albert Einstein
Classification: Likely pathogenic for Focal dermal hypoplasia. Last evaluated: 2024-09-11. Review status: criteria provided, single submitter. Criteria: ACMG Guidelines, 2015. Collection method: clinical testing. Allele origin: germline. Affected: yes.
Comment: ACMG classification criteria: PVS1 very strong, PM2 supporting